The following is an entry in ClinVar:

NM_001376.5(DYNC1H1):c.13938_13941del (p.Ter4647LeuextTer?)

Gene: DYNC1H1 (dynein cytoplasmic 1 heavy chain 1; plus strand). Cytogenetic location: 14q32.31.
Variant type: Deletion.
Coding change: c.13938_13941del on transcript NM_001376.5 (MANE Select); coding-DNA positions 13938 to 13941, 4 bases deleted (GTAA; older notation c.13938_13941delGTAA).
Protein change: p.Ter4647LeuextTer?.
Molecular consequence: frameshift variant.
Genome position (GRCh38, 1-based): chr14:102,050,560-102,050,563, GTAA deleted; deleting any 4 consecutive bases within chr14:102,050,559-102,050,563 gives the same sequence; the c. name uses the placement nearest the transcript's 3' end. VCF-style (leftmost placement, unchanged base first): chr14-102050558-GAGTA-G. GRCh37 (hg19) VCF-style: chr14-102516895-GAGTA-G.
Identifiers: ClinVar variation 3711150 (VCV003711150.2).
Genomic context (GRCh38, chr14:102,050,558, plus strand): 5'-ATTGCTACAAAGGAGGATCCTCGCAGCTTCTACGAGCGGGGTGTCGCAGTCTTGTGCACA[GAGTA>G]AACTTTTCTAGCTGCCCCTTTCTGTAATAGTGAAAGTTGGTATTTAACATTTATTCATTT-3'

ClinVar aggregate classification (germline): Uncertain significance (1 of 4 stars; one submission).

Conditions:
Charcot-Marie-Tooth disease axonal type 2O. Also called: CHARCOT-MARIE-TOOTH NEUROPATHY, AXONAL, TYPE 2O; CHARCOT-MARIE-TOOTH DISEASE, AXONAL, AUTOSOMAL DOMINANT, TYPE 2O; Charcot-Marie-Tooth Neuropathy Type 2O; Charcot-Marie-Tooth disease, axonal, type 20. Identifiers: Orphanet 284232, MedGen C3280220, MONDO:0013644, OMIM 614228.

Submission:

Labcorp Genetics (formerly Invitae), Labcorp
Classification: Uncertain significance for Charcot-Marie-Tooth disease axonal type 2O. Last evaluated: 2024-06-22. Review status: criteria provided, single submitter. Criteria: Invitae Variant Classification Sherloc (09022015). Collection method: clinical testing. Allele origin: germline.
Comment: This sequence change disrupts the translational stop signal of the DYNC1H1 mRNA. It is expected to extend the length of the DYNC1H1 protein by 2 additional amino acid residues. This variant is not present in population databases (gnomAD no frequency). This variant has not been reported in the literature in individuals affected with DYNC1H1-related conditions. Algorithms developed to predict the effect of sequence changes on RNA splicing suggest that this variant may create or strengthen a splice site. In summary, the available evidence is currently insufficient to determine the role of this variant in disease. Therefore, it has been classified as a Variant of Uncertain Significance.